The following is an entry in ClinVar:

NM_002225.5(IVD):c.227A>G (p.Asn76Ser)

Gene: IVD (isovaleryl-CoA dehydrogenase; plus strand). Cytogenetic location: 15q15.1.
Variant type: single nucleotide variant.
Coding change: c.227A>G on transcript NM_002225.5 (MANE Select); coding-DNA position 227, A replaced by G.
Protein change: p.Asn76Ser; replaces asparagine 76 with serine.
Molecular consequence: missense variant. On other transcripts: non-coding transcript variant (1), intron variant (1).
Genome position (GRCh38, 1-based): chr15:40,407,718, A>G. VCF-style: chr15-40407718-A-G. GRCh37 (hg19) VCF-style: chr15-40699919-A-G.
Other names: c.145-221A>G (NM_001159508.3); c.179A>G, p.Asn60Ser (NM_001354597.3); c.227A>G, p.Asn76Ser (NM_001354598.3, NM_001354599.3, NM_001354600.3 and 1 more transcripts); short protein forms N76S, N60S.
Identifiers: ClinVar variation 1484216 (VCV001484216.5), dbSNP rs1398705262, ClinGen allele CA391744918.

ClinVar aggregate classification (germline): Uncertain significance (1 of 4 stars; one submission).

Conditions:
Isovaleryl-CoA dehydrogenase deficiency (IVA). Also called: Isovaleric acidemia; Classic Isovaleric Acidemia; ISOVALERIC ACID CoA DEHYDROGENASE DEFICIENCY; IVD DEFICIENCY. Identifiers: Orphanet 33, MedGen C0268575, MONDO:0009475, OMIM 243500.

Allele frequency attached by ClinVar (database versions not stated): gnomAD exomes below 0.00001 and 0.00001; TOPMed 0.00001.
gnomAD v4.1: 3 of 1,614,058 alleles (0.00019%); highest among the groups gnomAD compares: Admixed American, 0.0033%; no homozygotes.

Submission:

Labcorp Genetics (formerly Invitae), Labcorp
Classification: Uncertain significance for Isovaleryl-CoA dehydrogenase deficiency. Last evaluated: 2021-08-28. Review status: criteria provided, single submitter. Criteria: Invitae Variant Classification Sherloc (09022015). Collection method: clinical testing. Allele origin: germline.
Comment: This sequence change replaces asparagine with serine at codon 79 of the IVD protein (p.Asn79Ser). The asparagine residue is moderately conserved and there is a small physicochemical difference between asparagine and serine. This variant is not present in population databases (ExAC no frequency). This variant has not been reported in the literature in individuals affected with IVD-related conditions. Algorithms developed to predict the effect of missense changes on protein structure and function (SIFT, PolyPhen-2, Align-GVGD) all suggest that this variant is likely to be tolerated. In summary, the available evidence is currently insufficient to determine the role of this variant in disease. Therefore, it has been classified as a Variant of Uncertain Significance.